The following is an entry in ClinVar:

NM_000051.4(ATM):c.7714C>T (p.Leu2572=)

Genes: C11orf65 (chromosome 11 open reading frame 65; minus strand), ATM (ATM serine/threonine kinase; plus strand). Cytogenetic location: 11q22.3.
Variant type: single nucleotide variant.
Coding change: c.7714C>T on transcript NM_000051.4 (MANE Select); coding-DNA position 7714, C replaced by T.
Protein change: p.Leu2572=; no amino-acid change (leucine 2572 retained).
Molecular consequence: synonymous variant. On other transcripts: intron variant (2).
Genome position (GRCh38, 1-based): chr11:108,331,963, C>T. VCF-style: chr11-108331963-C-T. GRCh37 (hg19) VCF-style: chr11-108202690-C-T.
Other names: c.7714C>T, p.Leu2572= (NM_001351834.2); c.641-22892G>A (NM_001330368.2); c.*38+3257G>A (NM_001351110.2).
Identifiers: ClinVar variation 481268 (VCV000481268.17), dbSNP rs1472587727, ClinGen allele CA476677225.
Genomic context (GRCh38, chr11:108,331,963, plus strand): 5'-CACCCCCATCACACTTTGTTTATTATACTGGCCTTAGCAAATGCAAACAGAGATGAATTT[C>T]TGACTAAACCAGAGGTAGCCAGAAGAAGCAGAATAACTAAAAATGTGCCTAAACAAAGCT-3'
Protein context (NP_000042.3, residues 2562-2582): ALANANRDEF[Leu2572=]TKPEVARRSR

ClinVar aggregate classification (germline): Benign/Likely benign. Review status: criteria provided, multiple submitters, no conflicts (2 of 4 stars). 5 submissions from 5 submitters: Benign (1); Likely benign (4). Last evaluated 2025-03-24.

Conditions:
Hereditary cancer-predisposing syndrome. Also called: Neoplastic Syndromes, Hereditary; Hereditary Cancer Syndrome; Tumor predisposition; Hereditary neoplastic syndrome. Identifiers: Orphanet 140162, MedGen C0027672, MeSH D009386, MONDO:0015356.
Familial cancer of breast. Also called: Hereditary breast cancer; BREAST CANCER, FAMILIAL; hereditary breast carcinoma. Identifiers: Orphanet 227535, MedGen C0346153, MONDO:0016419, OMIM 114480. Disease mechanism: loss of function.
Ataxia-telangiectasia syndrome (AT). Also called: LOUIS-BAR SYNDROME; Cerebello-oculocutaneous telangiectasia; Immunodeficiency with ataxia telangiectasia; Ataxia-telangiectasia, complementation group D; AT, COMPLEMENTATION GROUP C; Ataxia-telangiectasia, complementation group E. Identifiers: Orphanet 100, MedGen C0004135, MONDO:0008840, OMIM 208900.

Allele frequency attached by ClinVar (database versions not stated): gnomAD exomes below 0.00001.
gnomAD v4.1: 2 of 1,614,060 alleles (0.00012%); highest among the groups gnomAD compares: Non-Finnish European, 0.00017%; no homozygotes.

Submissions (5):

Color Diagnostics, LLC DBA Color Health
Classification: Likely benign for Hereditary cancer-predisposing syndrome. Last evaluated: 2025-03-24. Review status: criteria provided, single submitter. Criteria: ACMG Guidelines, 2015. Collection method: clinical testing. Allele origin: germline.

Myriad Genetics, Inc.
Classification: Benign for Familial cancer of breast. Last evaluated: 2024-06-17. Review status: criteria provided, single submitter. Criteria: Myriad Autosomal Dominant, Autosomal Recessive and X-Linked Classification Criteria (2023). Collection method: clinical testing. Allele origin: unknown.
Comment: This variant is considered benign. This variant is a silent/synonymous amino acid change and it is not expected to impact splicing.

Labcorp Genetics (formerly Invitae), Labcorp
Classification: Likely benign for Ataxia-telangiectasia syndrome. Last evaluated: 2024-04-24. Review status: criteria provided, single submitter. Criteria: Invitae Variant Classification Sherloc (09022015). Collection method: clinical testing. Allele origin: germline.

GeneDx
Classification: Likely benign. Last evaluated: 2017-12-11. Review status: criteria provided, single submitter. Criteria: GeneDx Variant Classification (06012015). Collection method: clinical testing. Allele origin: germline. Affected: yes.
Comment: This variant is considered likely benign or benign based on one or more of the following criteria: it is a conservative change, it occurs at a poorly conserved position in the protein, it is predicted to be benign by multiple in silico algorithms, and/or has population frequency not consistent with disease.

Ambry Genetics
Classification: Likely benign for Hereditary cancer-predisposing syndrome. Last evaluated: 2016-07-05. Review status: criteria provided, single submitter. Criteria: Ambry Variant Classification Scheme 2023. Collection method: clinical testing. Allele origin: germline.